The following is an entry in ClinVar:

ClinVar aggregate classification (germline): Uncertain significance (1 of 4 stars; one submission).

Submission:

Ambry Genetics
Classification: Uncertain significance. Last evaluated: 2025-09-14. Review status: criteria provided, single submitter. Criteria: Ambry Variant Classification Scheme 2023. Collection method: clinical testing. Allele origin: germline.
Comment: The p.P711Q variant (also known as c.2132C>A), located in coding exon 9 of the WNK2 gene, results from a C to A substitution at nucleotide position 2132. The proline at codon 711 is replaced by glutamine, an amino acid with similar properties. This amino acid position is conserved. In addition, this alteration is predicted to be tolerated by in silico analysis. Based on the available evidence, the clinical significance of this variant remains unclear.

NM_006648.4(WNK2):c.2132C>A (p.Pro711Gln)

Gene: WNK2 (WNK lysine deficient protein kinase 2; plus strand). Cytogenetic location: 9q22.31.
Variant type: single nucleotide variant.
Coding change: c.2132C>A on transcript NM_006648.4 (MANE Select); coding-DNA position 2132, C replaced by A.
Protein change: p.Pro711Gln; replaces proline 711 with glutamine.
Molecular consequence: missense variant.
Genome position (GRCh38, 1-based): chr9:93,256,396, C>A. VCF-style: chr9-93256396-C-A. GRCh37 (hg19) VCF-style: chr9-96018678-C-A.
Other names: c.2132C>A, p.Pro711Gln (NM_001282394.3); short protein forms P711Q.
Identifiers: ClinVar variation 4201906 (VCV004201906.1).
Genomic context (GRCh38, chr9:93,256,396, plus strand): 5'-GCCCTCCGTCCCTCCAGCAGCACTTCCCGGATCCGGCCATGAGCTTCGCCCCCGTGCTGC[C>A]GCCGCCCAGCACCCCCATGCCCACGGGCCCAGGCCAGCCAGCACCCCCCGGCCAGCAGGT-3'
Protein context (NP_006639.3, residues 701-721): DPAMSFAPVL[Pro711Gln]PPSTPMPTGP